The following is an entry in ClinVar:

ClinVar aggregate classification (germline): Uncertain significance (1 of 4 stars; one submission).

Conditions:
Muscular dystrophy-dystroglycanopathy (congenital with brain and eye anomalies), type A1 (MDDGA1). Also called: COD-MD SYNDROME; WALKER-WARBURG SYNDROME OR MUSCLE-EYE-BRAIN DISEASE, POMT1-RELATED; Hydrocephalus, agyria and retinal dysplasia; Hard +/- E syndrome; Warburg syndrome; Chemke syndrome. Identifiers: Orphanet 588, Orphanet 899, MedGen C4284790, MONDO:0009364, OMIM 236670.

Allele frequency attached by ClinVar (database versions not stated): gnomAD exomes below 0.00001 and 0.00001.
gnomAD v4.1: 1 of 1,552,026 alleles (0.000064%); highest among the groups gnomAD compares: Non-Finnish European, 0.000087%; no homozygotes.

Submission:

Baylor Genetics
Classification: Uncertain significance for Muscular dystrophy-dystroglycanopathy (congenital with brain and eye anomalies), type A1. Last evaluated: 2019-01-02. Review status: criteria provided, single submitter. Criteria: ACMG Guidelines, 2015. Collection method: clinical testing. Allele origin: paternal. Affected: yes.
Comment: This variant was determined to be of uncertain significance according to ACMG Guidelines, 2015 [PMID:25741868].

NM_001077365.2(POMT1):c.1528G>A (p.Ala510Thr)

Gene: POMT1 (protein O-mannosyltransferase 1; plus strand). Cytogenetic location: 9q34.13.
Variant type: single nucleotide variant.
Coding change: c.1528G>A on transcript NM_001077365.2 (MANE Select); coding-DNA position 1528, G replaced by A.
Protein change: p.Ala510Thr; replaces alanine 510 with threonine.
Molecular consequence: missense variant. On other transcripts: non-coding transcript variant (10), intron variant (1).
Genome position (GRCh38, 1-based): chr9:131,519,430, G>A. VCF-style: chr9-131519430-G-A. GRCh37 (hg19) VCF-style: chr9-134394817-G-A.
Other names: c.1366G>A, p.Ala456Thr (NM_001077366.2, NM_001353194.2); c.1528G>A, p.Ala510Thr (NM_001136113.2); c.1177G>A, p.Ala393Thr (NM_001136114.2, NM_001353195.2, NM_001374691.1 and 2 more transcripts); c.1594G>A, p.Ala532Thr (NM_001353193.2, NM_007171.4); c.1138G>A, p.Ala380Thr (NM_001374695.1); c.1366-650G>A (NM_001374690.1); c.1438G>A, p.Ala480Thr (NM_001353196.2); c.1432G>A, p.Ala478Thr (NM_001353197.2, NM_001353198.2); and 3 more; short protein forms A478T, A380T, A456T, A532T, A393T, A415T, A358T, A480T.
Identifiers: ClinVar variation 1027728 (VCV001027728.1), dbSNP rs1276417965, ClinGen allele CA375312790.